The following is an entry in ClinVar:

NM_022110.4(FKBPL):c.137C>G (p.Thr46Arg)

Gene: FKBPL (FKBP prolyl isomerase like; minus strand). Cytogenetic location: 6p21.32.
Variant type: single nucleotide variant.
Coding change: c.137C>G on transcript NM_022110.4 (MANE Select); coding-DNA position 137, C replaced by G.
Protein change: p.Thr46Arg; replaces threonine 46 with arginine.
Molecular consequence: missense variant.
Genome position (GRCh38, 1-based): chr6:32,129,644, G>C on the plus strand (C>G on the coding strand, the complement: FKBPL is on the minus strand). VCF-style: chr6-32129644-G-C. GRCh37 (hg19) VCF-style: chr6-32097421-G-C.
Other names: short protein forms T46R.
Identifiers: ClinVar variation 3041863 (VCV003041863.2), dbSNP rs35580488, ClinGen allele CA3736687.

ClinVar aggregate classification (germline): Likely benign (0 of 4 stars; one submission).

Conditions:
FKBPL-related disorder. Also called: FKBPL-related condition.

Allele frequency attached by ClinVar (database versions not stated): 1000 Genomes Project 0.00499; 1000 Genomes Project 30x 0.00500; ESP Exome Variant Server 0.00884; gnomAD 0.00926; ExAC 0.01029.

Submission:

PreventionGenetics, part of Exact Sciences
Classification: Likely benign for FKBPL-related condition. Last evaluated: 2019-02-21. Review status: no assertion criteria provided. Collection method: clinical testing. Allele origin: germline.
Comment: This variant is classified as likely benign based on ACMG/AMP sequence variant interpretation guidelines (Richards et al. 2015 PMID: 25741868, with internal and published modifications).